The following is an entry in ClinVar:

ClinVar aggregate classification (germline): Pathogenic. Review status: criteria provided, multiple submitters, no conflicts (2 of 4 stars). 3 submissions from 3 submitters: Pathogenic (3). Last evaluated 2025-11-29.

Conditions:
Primary ciliary dyskinesia 7. Also called: CILIARY DYSKINESIA, PRIMARY, 7, WITH OR WITHOUT SITUS INVERSUS. Identifiers: Orphanet 244, MedGen C2678473, MONDO:0012748, OMIM 611884.
Primary ciliary dyskinesia. Also called: Ciliary dyskinesia. Identifiers: Orphanet 244, MedGen C0008780, MONDO:0016575, HP:0012265.

gnomAD v4.1: 1 of 1,610,662 alleles (0.000062%); highest among the groups gnomAD compares: Admixed American, 0.0017%; no homozygotes.

Submissions (3):

Dasa
Classification: Pathogenic. Last evaluated: 2025-11-29. Review status: criteria provided, single submitter. Criteria: DASA Assertion Criteria. Collection method: clinical testing. Allele origin: germline.
Comment: NM_001277115.2(DNAH11):c.2923G>T (p.Glu975*) introduces a premature termination codon predicted to result in loss of normal protein function. Loss-of-function is an established mechanism of disease for this gene. This variant has been observed in affected individuals with related phenotype in a genotype context consistent with recessive disease (PMID: 20513915; PMID: 22184204; PMID: 18022865). This variant has been recurrently observed in individuals with related phenotype (PMID: 20513915; PMID: 22184204; PMID: 18022865). Segregation evidence has been reported in affected families. The variant is present at low frequency in population datasets. Based on the available data, this variant is classified as pathogenic.

Labcorp Genetics (formerly Invitae), Labcorp
Classification: Pathogenic for Primary ciliary dyskinesia. Last evaluated: 2025-08-09. Review status: criteria provided, single submitter. Criteria: Invitae Variant Classification Sherloc (09022015). Collection method: clinical testing. Allele origin: germline.
Comment: This sequence change creates a premature translational stop signal (p.Glu975*) in the DNAH11 gene. It is expected to result in an absent or disrupted protein product. Loss-of-function variants in DNAH11 are known to be pathogenic (PMID: 18022865, 20513915, 22184204). This variant is present in population databases (rs776980207, gnomAD no frequency). This variant has not been reported in the literature in individuals affected with DNAH11-related conditions. ClinVar contains an entry for this variant (Variation ID: 1685752). Algorithms developed to predict the effect of sequence changes on RNA splicing suggest that this variant may disrupt the consensus splice site. For these reasons, this variant has been classified as Pathogenic.

Mendelics
Classification: Pathogenic for Primary ciliary dyskinesia 7. Last evaluated: 2022-05-04. Review status: criteria provided, single submitter. Criteria: Mendelics Assertion Criteria 2019. Collection method: clinical testing. Allele origin: germline.

Literature cited by the submitters: PubMed 20513915 (cited by Dasa and Labcorp Genetics (formerly Invitae), Labcorp); PubMed 22184204 (cited by Dasa and Labcorp Genetics (formerly Invitae), Labcorp); PubMed 18022865 (cited by Dasa and Labcorp Genetics (formerly Invitae), Labcorp).

NM_001277115.2(DNAH11):c.2923G>T (p.Glu975Ter)

Gene: DNAH11 (dynein axonemal heavy chain 11; plus strand). Cytogenetic location: 7p15.3.
Variant type: single nucleotide variant.
Coding change: c.2923G>T on transcript NM_001277115.2 (MANE Select); coding-DNA position 2923, G replaced by T.
Protein change: p.Glu975Ter; replaces glutamic acid 975 with a stop codon.
Molecular consequence: nonsense.
Genome position (GRCh38, 1-based): chr7:21,600,042, G>T. VCF-style: chr7-21600042-G-T. GRCh37 (hg19) VCF-style: chr7-21639660-G-T.
Other names: short protein forms E975*.
Identifiers: ClinVar variation 1685752 (VCV001685752.7), dbSNP rs776980207, ClinGen allele CA4179466.